The following is an entry in ClinVar:

ClinVar aggregate classification (germline): Uncertain significance (1 of 4 stars; one submission).

Allele frequency attached by ClinVar (database versions not stated): gnomAD exomes below 0.00001.
gnomAD v4.1: 4 of 1,613,918 alleles (0.00025%); highest among the groups gnomAD compares: Non-Finnish European, 0.00034%; no homozygotes.

Submission:

Ambry Genetics
Classification: Uncertain significance. Last evaluated: 2024-08-07. Review status: criteria provided, single submitter. Criteria: Ambry Variant Classification Scheme 2023. Collection method: clinical testing. Allele origin: germline.
Comment: The p.A701T variant (also known as c.2101G>A), located in coding exon 14 of the RINT1 gene, results from a G to A substitution at nucleotide position 2101. The alanine at codon 701 is replaced by threonine, an amino acid with similar properties. This amino acid position is conserved. In addition, the in silico prediction for this alteration is inconclusive. Since supporting evidence is limited at this time, the clinical significance of this alteration remains unclear.

NM_021930.6(RINT1):c.2101G>A (p.Ala701Thr)

Genes: EFCAB10 (EF-hand calcium binding domain 10; minus strand), RINT1 (RAD50 interactor 1; plus strand). Cytogenetic location: 7q22.3.
Variant type: single nucleotide variant.
Coding change: c.2101G>A on transcript NM_021930.6 (MANE Select); coding-DNA position 2101, G replaced by A.
Protein change: p.Ala701Thr; replaces alanine 701 with threonine.
Molecular consequence: missense variant. On other transcripts: non-coding transcript variant (1), intron variant (2).
Genome position (GRCh38, 1-based): chr7:105,565,563, G>A. VCF-style: chr7-105565563-G-A. GRCh37 (hg19) VCF-style: chr7-105206010-G-A.
Other names: c.436C>T, p.Leu146Phe (NM_001355530.2); c.1867G>A, p.Ala623Thr (NM_001346599.2); c.1078G>A, p.Ala360Thr (NM_001346600.2, NM_001346603.2); c.1177G>A, p.Ala393Thr (NM_001346601.2); c.360-116C>T (NM_001355531.2); c.384-116C>T (NM_001355526.2); short protein forms A360T, A393T, L146F, A701T, A623T.
Identifiers: ClinVar variation 1785926 (VCV001785926.3), dbSNP rs755107934, ClinGen allele CA164067971.